The following is an entry in ClinVar:

NM_020975.6(RET):c.871A>T (p.Thr291Ser)

Gene: RET (ret proto-oncogene; plus strand). Cytogenetic location: 10q11.21.
Variant type: single nucleotide variant.
Coding change: c.871A>T on transcript NM_020975.6 (MANE Select); coding-DNA position 871, A replaced by T.
Protein change: p.Thr291Ser; replaces threonine 291 with serine.
Molecular consequence: missense variant. On other transcripts: intron variant (25).
Genome position (GRCh38, 1-based): chr10:43,106,379, A>T. VCF-style: chr10-43106379-A-T. GRCh37 (hg19) VCF-style: chr10-43601827-A-T.
Other names: c.109A>T, p.Thr37Ser (NM_001355216.2); c.871A>T, p.Thr291Ser (NM_001406743.1, NM_001406744.1, NM_001406759.1 and 4 more transcripts); c.742A>T, p.Thr248Ser (NM_001406761.1, NM_001406762.1, NM_001406764.1 and 1 more transcripts); c.583A>T, p.Thr195Ser (NM_001406766.1, NM_001406767.1, NM_001406770.1); c.867+1186A>T (NM_001406772.1, NM_001406769.1); c.626-2652A>T (NM_001406773.1, NM_001406771.1); c.625+3750A>T (NM_001406782.1, NM_001406780.1, NM_001406779.1 and 3 more transcripts); c.738+1186A>T (NM_001406774.1); and 5 more; short protein forms T195S, T248S, T291S, T37S.
Identifiers: ClinVar variation 3602517 (VCV003602517.1).

ClinVar aggregate classification (germline): Uncertain significance (1 of 4 stars; one submission).

Submission:

GeneDx
Classification: Uncertain significance. Last evaluated: 2024-07-30. Review status: criteria provided, single submitter. Criteria: GeneDx Variant Classification Process June 2021. Collection method: clinical testing. Allele origin: germline. Affected: yes.
Comment: Not observed at significant frequency in large population cohorts (gnomAD); In silico analysis indicates that this missense variant does not alter protein structure/function; Has not been previously published as pathogenic or benign to our knowledge; This variant is associated with the following publications: (PMID: 14633923)